The following is an entry in ClinVar:

NM_052989.3(IFT122):c.2903T>G (p.Val968Gly)

Gene: IFT122 (intraflagellar transport 122; plus strand). Cytogenetic location: 3q22.1.
Variant type: single nucleotide variant.
Coding change: c.2903T>G on transcript NM_052989.3 (MANE Select); coding-DNA position 2903, T replaced by G.
Protein change: p.Val968Gly; replaces valine 968 with glycine.
Molecular consequence: missense variant.
Genome position (GRCh38, 1-based): chr3:129,512,328, T>G. VCF-style: chr3-129512328-T-G. GRCh37 (hg19) VCF-style: chr3-129231171-T-G.
Other names: c.2882T>G, p.Val961Gly (NM_001280541.2); c.2453T>G, p.Val818Gly (NM_001280545.2); c.2276T>G, p.Val759Gly (NM_001280546.2); c.2906T>G, p.Val969Gly (NM_001410808.1); c.2849T>G, p.Val950Gly (NM_001410809.1); c.2729T>G, p.Val910Gly (NM_001410810.1); c.2675T>G, p.Val892Gly (NM_001410811.1); c.2672T>G, p.Val891Gly (NM_001410813.1); and 5 more; short protein forms V840G, V910G, V969G, V818G, V891G, V892G, V909G, V961G.
Identifiers: ClinVar variation 2080313 (VCV002080313.1), dbSNP rs2532643703, ClinGen allele CA354486216.
Genomic context (GRCh38, chr3:129,512,328, plus strand): 5'-GCTCTTGAAGAACTCAATCCCTGTTTGCTTTTCTCTCACTGCAGGAAGATCCGTTCAGTG[T>G]CCATCGTCCTGAAACTCTTTTCAACATCTCCAGGTTCCTGCTGCACAGCCTGCCCAAGGA-3'
Protein context (NP_443715.1, residues 958-978): IHRHTEDPFS[Val968Gly]HRPETLFNIS

ClinVar aggregate classification (germline): Uncertain significance (1 of 4 stars; one submission).

Conditions:
Cranioectodermal dysplasia 1 (CED1). Also called: LEVIN SYNDROME I. Identifiers: Orphanet 1515, MedGen C0432235, MONDO:0021093, OMIM 218330.

Submission:

Labcorp Genetics (formerly Invitae), Labcorp
Classification: Uncertain significance for Cranioectodermal dysplasia 1. Last evaluated: 2022-07-05. Review status: criteria provided, single submitter. Criteria: Invitae Variant Classification Sherloc (09022015). Collection method: clinical testing. Allele origin: germline.
Comment: This sequence change replaces valine, which is neutral and non-polar, with glycine, which is neutral and non-polar, at codon 1019 of the IFT122 protein (p.Val1019Gly). This variant is not present in population databases (gnomAD no frequency). This variant has not been reported in the literature in individuals affected with IFT122-related conditions. Algorithms developed to predict the effect of missense changes on protein structure and function (SIFT, PolyPhen-2, Align-GVGD) all suggest that this variant is likely to be tolerated. In summary, the available evidence is currently insufficient to determine the role of this variant in disease. Therefore, it has been classified as a Variant of Uncertain Significance.